The following is an entry in ClinVar:

ClinVar aggregate classification (germline): Likely pathogenic (1 of 4 stars; one submission).

Conditions:
Deficiency of steroid 17-alpha-monooxygenase. Also called: ADRENAL HYPERPLASIA V; 17-alpha-hydroxylase/17,20-lyase deficiency; 17-ALPHA-HYDROXYLASE DEFICIENCY; Congenital adrenal hyperplasia due to 17-alpha-hydroxylase deficiency; Congenital adrenal hyperplasia type 5. Identifiers: Orphanet 90793, MedGen C0268285, MONDO:0008730, OMIM 202110.

Submission:

Natera, Inc.
Classification: Likely pathogenic for Deficiency of steroid 17-alpha-monooxygenase. Last evaluated: 2025-04-10. Review status: criteria provided, single submitter. Criteria: Natera Variant Classification Schema (03/2026). Collection method: clinical testing. Allele origin: germline.
Comment: The c.373C>T variant in CYP17A1 is a nonsense variant predicted to introduce a stop codon at amino acid 125. This variant is expected to result in nonsense mediated decay, truncation, or a dysfunctional protein product. This variant is rare in the general population with a frequency below the threshold expected for the associated phenotype(s). Given the available evidence, this variant is classified as Likely Pathogenic.

NM_000102.4(CYP17A1):c.373C>T (p.Arg125Ter)

Gene: CYP17A1 (cytochrome P450 family 17 subfamily A member 1; minus strand). Cytogenetic location: 10q24.32.
Variant type: single nucleotide variant.
Coding change: c.373C>T on transcript NM_000102.4 (MANE Select); coding-DNA position 373, C replaced by T.
Protein change: p.Arg125Ter; replaces arginine 125 with a stop codon.
Molecular consequence: nonsense.
Genome position (GRCh38, 1-based): chr10:102,835,317, G>A on the plus strand (C>T on the coding strand, the complement: CYP17A1 is on the minus strand). VCF-style: chr10-102835317-G-A. GRCh37 (hg19) VCF-style: chr10-104595074-G-A.
Other names: c.373C>T (NM_000102.3); short protein forms R125*.
Identifiers: ClinVar variation 4817439 (VCV004817439.2).
Genomic context (GRCh38, chr10:102,835,317, plus strand): 5'-TCTTCTCCAGCTTCTGATCGCCATCCTTGAACAGGGCAAAGGTGGCCATCGCCAGCCTTC[G>A]ATGCAGCTGCCAGTGTGCGCCAGAGTCAGCGAAGGCGATACCCTTACGGTTGTTGGACGC-3'